The following is an entry in ClinVar:

NM_004628.5(XPC):c.1000C>T (p.Pro334Ser)

Gene: XPC (XPC complex subunit, DNA damage recognition and repair factor; minus strand). Cytogenetic location: 3p25.1.
Variant type: single nucleotide variant.
Coding change: c.1000C>T on transcript NM_004628.5 (MANE Select); coding-DNA position 1000, C replaced by T.
Protein change: p.Pro334Ser; replaces proline 334 with serine.
Molecular consequence: missense variant. On other transcripts: non-coding transcript variant (2).
Genome position (GRCh38, 1-based): chr3:14,158,883, G>A on the plus strand (C>T on the coding strand, the complement: XPC is on the minus strand). VCF-style: chr3-14158883-G-A. GRCh37 (hg19) VCF-style: chr3-14200383-G-A.
Other names: c.421C>T, p.Pro141Ser (NM_001354726.2); c.1000C>T, p.Pro334Ser (NM_001354727.2, NM_001354730.2); c.982C>T, p.Pro328Ser (NM_001354729.2); short protein forms P334S, P141S, P328S.
Identifiers: ClinVar variation 135487 (VCV000135487.43), dbSNP rs200338014, ClinGen allele CA162919.
Genomic context (GRCh38, chr3:14,158,883, plus strand): 5'-GAACTTGGCTGGAAGTTTCTGAGGAGCCTCCTGGATCCGCAGTCAATCTTTCCTTGGAAG[G>A]TTTCTTTCCCTTAAACAGAATAAGAAATTTTGCTTTTTTTTCTCCCCCCTCTTTTGCTAA-3'
Protein context (NP_004619.3, residues 324-344): LKSATAKGKK[Pro334Ser]SKERLTADPG

ClinVar aggregate classification (germline): Benign/Likely benign. Review status: criteria provided, multiple submitters, no conflicts (2 of 4 stars). 8 submissions from 8 submitters: Benign (2); Likely benign (5). 1 of the submissions does not count toward it. Last evaluated 2026-01-28.

Conditions:
Xeroderma pigmentosum (XP). Identifiers: Orphanet 910, MedGen C0043346, MONDO:0019600.
Xeroderma pigmentosum, group C (XPC). Also called: Xeroderma pigmentosum, complementation group C; XERODERMA PIGMENTOSUM III; XP, GROUP C; XPC-Related Xeroderma Pigmentosum. Identifiers: Orphanet 910, MedGen C2752147, MONDO:0010211, OMIM 278720.

Allele frequency attached by ClinVar (database versions not stated): TOPMed 0.00003; 1000 Genomes Project 0.00180; 1000 Genomes Project 30x 0.00187.

Submissions (8):

Labcorp Genetics (formerly Invitae), Labcorp
Classification: Benign. Last evaluated: 2026-01-28. Review status: criteria provided, single submitter. Criteria: Invitae Variant Classification Sherloc (09022015). Collection method: clinical testing. Allele origin: germline.

CeGaT Center for Human Genetics Tuebingen
Classification: Likely benign. Last evaluated: 2023-12-01. Review status: criteria provided, single submitter. Criteria: CeGaT Center For Human Genetics Tuebingen Variant Classification Criteria Version 2. Collection method: clinical testing. Allele origin: germline. Affected: yes. Observed: 2 variant alleles.
Comment: XPC: PM5, BP4, BS2

Genome-Nilou Lab
Classification: Benign for Xeroderma pigmentosum, group C. Last evaluated: 2021-12-05. Review status: criteria provided, single submitter. Criteria: ACMG Guidelines, 2015. Collection method: clinical testing. Allele origin: germline. Affected: no.

Sema4
Classification: Likely benign for Xeroderma pigmentosum. Last evaluated: 2021-09-15. Review status: criteria provided, single submitter. Criteria: Sema4 Curation Guidelines. Collection method: curation. Allele origin: germline.

Fulgent Genetics
Classification: Likely benign for Xeroderma pigmentosum, group C. Last evaluated: 2021-07-26. Review status: criteria provided, single submitter. Criteria: ACMG Guidelines, 2015. Collection method: clinical testing. Allele origin: unknown.

Department of Pathology and Laboratory Medicine, Sinai Health System
Classification: Likely benign for Xeroderma pigmentosum, group C. Last evaluated: 2020-09-01. Review status: criteria provided, single submitter. Criteria: ACMG Guidelines, 2015. Collection method: research. Allele origin: germline.

Illumina Laboratory Services, Illumina
Classification: Likely benign for Xeroderma pigmentosum, group C. Last evaluated: 2017-04-27. Review status: criteria provided, single submitter. Criteria: ICSL Variant Classification Criteria 13 December 2019. Collection method: clinical testing. Allele origin: germline.
Comment: This variant was observed as part of a predisposition screen in an ostensibly healthy population. A literature search was performed for the gene, cDNA change, and amino acid change (where applicable). No publications were found based on this search. Allele frequency data from public databases allowed determination this variant is unlikely to cause disease. Therefore, this variant is classified as likely benign.

ITMI
No classification provided. Condition: AllHighlyPenetrant. Last evaluated: 2013-09-19. Review status: no classification provided. Collection method: reference population. Allele origin: germline. Not counted in ClinVar's aggregate classification.
Comment: Please see associated publication for description of ethnicities

Literature cited by the submitters: PubMed 24728327 (cited by ITMI).